The following is an entry in ClinVar:

ClinVar aggregate classification (germline): Benign/Likely benign. Review status: criteria provided, multiple submitters, no conflicts (2 of 4 stars). 4 submissions from 4 submitters: Benign (3); Likely benign (1). Last evaluated 2025-10-01.

Conditions:
Monilethrix. Also called: Beaded hair. Identifiers: Orphanet 573, MedGen C0546966, MONDO:0008009, HP:0032470.

Allele frequency attached by ClinVar (database versions not stated): gnomAD exomes 0.00017 and 0.00041; 1000 Genomes Project 0.00020; 1000 Genomes Project 30x 0.00047; ExAC 0.00049; gnomAD 0.00149 and 0.00170; TOPMed 0.00156; ESP Exome Variant Server 0.00223.
gnomAD v4.1: 485 of 1,614,134 alleles (0.03%); highest among the groups gnomAD compares: African/African-American, 0.59%; no homozygotes.

Submissions (4):

Labcorp Genetics (formerly Invitae), Labcorp
Classification: Benign. Last evaluated: 2025-10-01. Review status: criteria provided, single submitter. Criteria: Invitae Variant Classification Sherloc (09022015). Collection method: clinical testing. Allele origin: germline.

Blueprint Genetics
Classification: Likely benign. Last evaluated: 2024-07-16. Review status: criteria provided, single submitter. Criteria: ACMG Guidelines, 2015. Collection method: clinical testing. Allele origin: germline.

Illumina Laboratory Services, Illumina
Classification: Benign for Monilethrix-1. Last evaluated: 2018-01-13. Review status: criteria provided, single submitter. Criteria: ICSL Variant Classification Criteria 13 December 2019. Collection method: clinical testing. Allele origin: germline.
Comment: This variant was observed in the ICSL laboratory as part of a predisposition screen in an ostensibly healthy population. It had not been previously curated by ICSL or reported in the Human Gene Mutation Database (HGMD: prior to June 1st, 2018), and was therefore a candidate for classification through an automated scoring system. Utilizing variant allele frequency, disease prevalence and penetrance estimates, and inheritance mode, an automated score was calculated to assess if this variant is too frequent to cause the disease. Based on the score and internal cut-off values, a variant classified as benign is not then subjected to further curation. The score for this variant resulted in a classification of benign for this disease.

Breakthrough Genomics
Classification: Benign. Review status: criteria provided, single submitter. Criteria: ACMG Guidelines, 2015. Collection method: not provided. Allele origin: germline. Inheritance: Autosomal recessive inheritance. Affected: yes.

NM_002282.3(KRT83):c.768A>G (p.Gln256=)

Gene: KRT83 (keratin 83; minus strand). Cytogenetic location: 12q13.13.
Variant type: single nucleotide variant.
Coding change: c.768A>G on transcript NM_002282.3 (MANE Select); coding-DNA position 768, A replaced by G.
Protein change: p.Gln256=; no amino-acid change (glutamine 256 retained).
Molecular consequence: synonymous variant.
Genome position (GRCh38, 1-based): chr12:52,317,006, T>C on the plus strand (A>G on the coding strand, the complement: KRT83 is on the minus strand). VCF-style: chr12-52317006-T-C. GRCh37 (hg19) VCF-style: chr12-52710790-T-C.
Identifiers: ClinVar variation 309519 (VCV000309519.11), dbSNP rs143202217, ClinGen allele CA6577524.